The following is an entry in ClinVar:

ClinVar aggregate classification (germline): Uncertain significance. Review status: criteria provided, multiple submitters, no conflicts (2 of 4 stars). 2 submissions from 2 submitters: Uncertain significance (2). Last evaluated 2025-01-10.

Conditions:
Epileptic encephalopathy. Identifiers: MedGen C0543888, HP:0200134.

Allele frequency attached by ClinVar (database versions not stated): gnomAD 0.00001 and 0.00002; gnomAD exomes 0.00001; TOPMed 0.00001.
gnomAD v4.1: 12 of 1,613,656 alleles (0.00074%); highest among the groups gnomAD compares: Non-Finnish European, 0.00085%; no homozygotes.

Submissions (2):

Ambry Genetics
Classification: Uncertain significance. Last evaluated: 2025-01-10. Review status: criteria provided, single submitter. Criteria: Ambry Variant Classification Scheme 2023. Collection method: clinical testing. Allele origin: germline.

Labcorp Genetics (formerly Invitae), Labcorp
Classification: Uncertain significance for Epileptic encephalopathy. Last evaluated: 2022-01-14. Review status: criteria provided, single submitter. Criteria: Invitae Variant Classification Sherloc (09022015). Collection method: clinical testing. Allele origin: germline.
Comment: This sequence change replaces alanine, which is neutral and non-polar, with valine, which is neutral and non-polar, at codon 807 of the RYR3 protein (p.Ala807Val). In summary, the available evidence is currently insufficient to determine the role of this variant in disease. Therefore, it has been classified as a Variant of Uncertain Significance. Algorithms developed to predict the effect of missense changes on protein structure and function (SIFT, PolyPhen-2, Align-GVGD) all suggest that this variant is likely to be tolerated. ClinVar contains an entry for this variant (Variation ID: 840535). This variant has not been reported in the literature in individuals affected with RYR3-related conditions. This variant is present in population databases (no rsID available, gnomAD 0.002%).

NM_001036.6(RYR3):c.2420C>T (p.Ala807Val)

Gene: RYR3 (ryanodine receptor 3; plus strand). Cytogenetic location: 15q14.
Variant type: single nucleotide variant.
Coding change: c.2420C>T on transcript NM_001036.6 (MANE Select); coding-DNA position 2420, C replaced by T.
Protein change: p.Ala807Val; replaces alanine 807 with valine.
Molecular consequence: missense variant.
Genome position (GRCh38, 1-based): chr15:33,623,869, C>T. VCF-style: chr15-33623869-C-T. GRCh37 (hg19) VCF-style: chr15-33916070-C-T.
Other names: c.2420C>T, p.Ala807Val (NM_001243996.4); c.2420C>T (NM_001036.3); short protein forms A807V.
Identifiers: ClinVar variation 840535 (VCV000840535.10), dbSNP rs964229276, ClinGen allele CA268563123.